The following is an entry in ClinVar:

NM_032444.4(SLX4):c.2667A>G (p.Gln889=)

Gene: SLX4 (SLX4 structure-specific endonuclease subunit; minus strand). Cytogenetic location: 16p13.3.
Variant type: single nucleotide variant.
Coding change: c.2667A>G on transcript NM_032444.4 (MANE Select); coding-DNA position 2667, A replaced by G.
Protein change: p.Gln889=; no amino-acid change (glutamine 889 retained).
Molecular consequence: synonymous variant.
Genome position (GRCh38, 1-based): chr16:3,590,971, T>C on the plus strand (A>G on the coding strand, the complement: SLX4 is on the minus strand). VCF-style: chr16-3590971-T-C. GRCh37 (hg19) VCF-style: chr16-3640972-T-C.
Other names: c.2667A>G (NM_032444.3).
Identifiers: ClinVar variation 698410 (VCV000698410.16), dbSNP rs146790631, ClinGen allele CA7866103.

ClinVar aggregate classification (germline): Likely benign. Review status: criteria provided, multiple submitters, no conflicts (2 of 4 stars). 6 submissions from 6 submitters: Likely benign (4). 2 of the submissions do not count toward it. Last evaluated 2026-01-02.

Conditions:
SLX4-related disorder. Also called: SLX4-related condition.
Fanconi anemia (FA). Also called: Fanconi's anemia. Identifiers: Orphanet 84, MedGen C0015625, MeSH D005199, MONDO:0019391.

Allele frequency attached by ClinVar (database versions not stated): 1000 Genomes Project below 0.00001; gnomAD exomes 0.00005 and 0.00008; ExAC 0.00012; gnomAD 0.00060 and 0.00066; ESP Exome Variant Server 0.00069; TOPMed 0.00070.
gnomAD v4.1: 166 of 1,613,934 alleles (0.01%); highest among the groups gnomAD compares: African/African-American, 0.22%; no homozygotes.

Submissions (6):

Labcorp Genetics (formerly Invitae), Labcorp
Classification: Likely benign for Fanconi anemia. Last evaluated: 2026-01-02. Review status: criteria provided, single submitter. Criteria: Invitae Variant Classification Sherloc (09022015). Collection method: clinical testing. Allele origin: germline.

Blueprint Genetics
Classification: Likely benign. Last evaluated: 2023-12-29. Review status: criteria provided, single submitter. Criteria: ACMG Guidelines, 2015. Collection method: clinical testing. Allele origin: germline.

Sema4
Classification: Likely benign for Fanconi anemia. Last evaluated: 2021-02-23. Review status: criteria provided, single submitter. Criteria: Sema4 Curation Guidelines. Collection method: curation. Allele origin: germline.

Breakthrough Genomics
Classification: Likely benign. Review status: criteria provided, single submitter. Criteria: ACMG Guidelines, 2015. Collection method: not provided. Allele origin: germline. Inheritance: Autosomal recessive inheritance. Affected: yes.

PreventionGenetics, part of Exact Sciences
Classification: Likely benign for SLX4-related condition. Last evaluated: 2023-02-26. Review status: no assertion criteria provided. Collection method: clinical testing. Allele origin: germline. Not counted in ClinVar's aggregate classification.
Comment: This variant is classified as likely benign based on ACMG/AMP sequence variant interpretation guidelines (Richards et al. 2015 PMID: 25741868, with internal and published modifications).

Leiden Open Variation Database
Classification: Likely benign. Last evaluated: 2012-08-31. Review status: no assertion criteria provided. Collection method: curation. Allele origin: germline. Affected: yes. Not counted in ClinVar's aggregate classification.
Comment: Curator: Arleen D. Auerbach. Submitter to LOVD: Janine Bakker.

Literature cited by the submitters: PubMed 22911665 (cited by Sema4 and Leiden Open Variation Database).